The following is an entry in ClinVar:

NM_004985.5(KRAS):c.193_198delinsCTTGACCAGTAC (p.Ser65_Ala66delinsLeuAspGlnTyr)

Gene: KRAS (KRAS proto-oncogene, GTPase; minus strand). Cytogenetic location: 12p12.1.
Variant type: Indel.
Coding change: c.193_198delinsCTTGACCAGTAC on transcript NM_004985.5 (MANE Select); coding-DNA positions 193 to 198, AGTGCA replaced by CTTGACCAGTAC.
Protein change: p.Ser65_Ala66delinsLeuAspGlnTyr.
Molecular consequence: inframe indel.
Genome position (GRCh38, 1-based): chr12:25,227,326-25,227,331, TGCACT replaced by GTACTGGTCAAG on the plus strand (AGTGCA replaced by CTTGACCAGTAC on the coding strand, the reverse complement: KRAS is on the minus strand). VCF-style: chr12-25227326-TGCACT-GTACTGGTCAAG. GRCh37 (hg19) VCF-style: chr12-25380260-TGCACT-GTACTGGTCAAG.
Other names: c.193_198delinsCTTGACCAGTAC, p.Ser65_Ala66delinsLeuAspGlnTyr (NM_001369786.1, NM_001369787.1, NM_033360.4).
Identifiers: ClinVar variation 4530513 (VCV004530513.1).

ClinVar aggregate classification (somatic clinical impact): Tier I - Strong (1 of 4 stars; one submission).

Conditions:
Pilocytic astrocytoma. Also called: Pilocytic astrocytoma, somatic. Identifiers: Orphanet 251612, MedGen C0334583, MONDO:0016691, HP:0033680.

Submission:

Institute for Genomic Medicine (IGM) Clinical Laboratory, Nationwide Children's Hospital
Classification: Tier I - Strong for Pilocytic astrocytoma. Assertion type: diagnostic. Clinical significance: supports diagnosis. Last evaluated: 2025-07-03. Review status: criteria provided, single submitter. Criteria: AMP/ASCO/CAP Guidelines, 2017. Collection method: clinical testing. Allele origin: somatic. Affected: yes.
Comment: Variant has Tier I (strong) clinical significance as a diagnostic inclusion criterion in pilocytic astrocytoma, based on the following evidence: 1) Documented in one or more cancer databases (e.g., St. Jude Pecan, COSMIC, CIViC, OncoKB). 2) Appears in one or more well-established professional guidelines (e.g., World Health Organization [WHO]; National Comprehensive Cancer Network [NCCN]) as providing diagnostic, prognostic, or therapeutic information. 3) Diagnostic for a specific tumor type/classification based on well-powered studies with expert-level consensus (Evidence Level B; PMIDs: 23817572, 23583981, 32289278, 40335748, 16247081, 17712732, 19373855, 21610151).

Literature cited by the submitters: PubMed 23817572; PubMed 23583981; PubMed 32289278; PubMed 40335748; PubMed 16247081; PubMed 17712732; PubMed 19373855; PubMed 21610151.